The following is an entry in ClinVar:

NM_053025.4(MYLK):c.2850G>C (p.Gln950His)

Gene: MYLK (myosin light chain kinase; minus strand). Cytogenetic location: 3q21.1.
Variant type: single nucleotide variant.
Coding change: c.2850G>C on transcript NM_053025.4 (MANE Select); coding-DNA position 2850, G replaced by C.
Protein change: p.Gln950His; replaces glutamine 950 with histidine.
Molecular consequence: missense variant.
Genome position (GRCh38, 1-based): chr3:123,700,618, C>G on the plus strand (G>C on the coding strand, the complement: MYLK is on the minus strand). VCF-style: chr3-123700618-C-G. GRCh37 (hg19) VCF-style: chr3-123419465-C-G.
Other names: c.2322G>C, p.Gln774His (NM_001321309.2); c.2643G>C, p.Gln881His (NM_053026.4, NM_053028.4); c.2850G>C, p.Gln950His (NM_053027.4); short protein forms Q774H, Q950H, Q881H.
Identifiers: ClinVar variation 3711118 (VCV003711118.2).
Genomic context (GRCh38, chr3:123,700,618, plus strand): 5'-CTTCTCAGGCACGGGGGTCTTGGAAGTCCCCTTCTTGGCCAGGACAGAGCGAAAATCGAC[C>G]TGCTGGGGGCTGTGCACCTTCCTCTCTTCCTCAGACACAGTCTTTGGCTTCACTTGCCGC-3'
Protein context (NP_444253.3, residues 940-960): EEERKVHSPQ[Gln950His]VDFRSVLAKK

ClinVar aggregate classification (germline): Uncertain significance (1 of 4 stars; one submission).

Conditions:
Aortic aneurysm, familial thoracic 7 (AAT7). Also called: AORTIC DISSECTION, FAMILIAL, WITH OR WITHOUT AORTIC ANEURYSM. Identifiers: MedGen C3151077, MONDO:0013418, OMIM 613780.

Submission:

Labcorp Genetics (formerly Invitae), Labcorp
Classification: Uncertain significance for Aortic aneurysm, familial thoracic 7. Last evaluated: 2024-11-12. Review status: criteria provided, single submitter. Criteria: Invitae Variant Classification Sherloc (09022015). Collection method: clinical testing. Allele origin: germline.
Comment: This sequence change replaces glutamine, which is neutral and polar, with histidine, which is basic and polar, at codon 950 of the MYLK protein (p.Gln950His). This variant is not present in population databases (gnomAD no frequency). This variant has not been reported in the literature in individuals affected with MYLK-related conditions. Invitae Evidence Modeling of protein sequence and biophysical properties (such as structural, functional, and spatial information, amino acid conservation, physicochemical variation, residue mobility, and thermodynamic stability) has been performed for this missense variant. However, the output from this modeling did not meet the statistical confidence thresholds required to predict the impact of this variant on MYLK protein function. In summary, the available evidence is currently insufficient to determine the role of this variant in disease. Therefore, it has been classified as a Variant of Uncertain Significance.